The following is an entry in ClinVar:

ClinVar aggregate classification (germline): Uncertain significance (1 of 4 stars; one submission).

Conditions:
Hepatic veno-occlusive disease-immunodeficiency syndrome. Also called: Hepatic Veno-Occlusive Disease with Immunodeficiency. Identifiers: Orphanet 79124, MedGen C1856128, MONDO:0009338, OMIM 235550. Disease mechanism: loss of function.

Allele frequency attached by ClinVar (database versions not stated): TOPMed below 0.00001; ExAC 0.00001; gnomAD 0.00001; ESP Exome Variant Server 0.00008.
gnomAD v4.1: 3 of 1,613,938 alleles (0.00019%); highest among the groups gnomAD compares: African/African-American, 0.004%; no homozygotes.

Submission:

Labcorp Genetics (formerly Invitae), Labcorp
Classification: Uncertain significance for Hepatic veno-occlusive disease-immunodeficiency syndrome. Last evaluated: 2022-04-12. Review status: criteria provided, single submitter. Criteria: Invitae Variant Classification Sherloc (09022015). Collection method: clinical testing. Allele origin: germline.
Comment: This sequence change replaces threonine, which is neutral and polar, with isoleucine, which is neutral and non-polar, at codon 135 of the SP110 protein (p.Thr135Ile). This variant is present in population databases (rs372996678, gnomAD 0.007%). This variant has not been reported in the literature in individuals affected with SP110-related conditions. Algorithms developed to predict the effect of missense changes on protein structure and function are either unavailable or do not agree on the potential impact of this missense change (SIFT: "Deleterious"; PolyPhen-2: "Possibly Damaging"; Align-GVGD: "Class C0"). In summary, the available evidence is currently insufficient to determine the role of this variant in disease. Therefore, it has been classified as a Variant of Uncertain Significance.

NM_080424.4(SP110):c.404C>T (p.Thr135Ile)

Genes: SP110 (SP110 nuclear body protein; minus strand), SP140 (SP140 nuclear body protein; plus strand). Cytogenetic location: 2q37.1.
Variant type: single nucleotide variant.
Coding change: c.404C>T on transcript NM_080424.4 (MANE Select); coding-DNA position 404, C replaced by T.
Protein change: p.Thr135Ile; replaces threonine 135 with isoleucine.
Molecular consequence: missense variant.
Genome position (GRCh38, 1-based): chr2:230,212,940, G>A on the plus strand (C>T on the coding strand, the complement: SP110 is on the minus strand). VCF-style: chr2-230212940-G-A. GRCh37 (hg19) VCF-style: chr2-231077655-G-A.
Other names: c.422C>T, p.Thr141Ile (NM_001185015.2, NM_001378442.1, NM_001378444.1 and 2 more transcripts); c.404C>T, p.Thr135Ile (NM_001378443.1, NM_001378447.1, NM_004509.5 and 1 more transcripts); short protein forms T135I, T141I.
Identifiers: ClinVar variation 1988103 (VCV001988103.2), dbSNP rs372996678, ClinGen allele CA2154840.